The following is an entry in ClinVar:

ClinVar aggregate classification (germline): Likely benign. Review status: criteria provided, multiple submitters, no conflicts (2 of 4 stars). 3 submissions from 3 submitters: Likely benign (2). 1 of the submissions does not count toward it. Last evaluated 2025-11-09.

Conditions:
TBX20-related disorder. Also called: TBX20-related condition.

Submissions (3):

Labcorp Genetics (formerly Invitae), Labcorp
Classification: Likely benign. Last evaluated: 2025-11-09. Review status: criteria provided, single submitter. Criteria: Invitae Variant Classification Sherloc (09022015). Collection method: clinical testing. Allele origin: germline.

Blueprint Genetics
Classification: Likely benign. Last evaluated: 2024-10-09. Review status: criteria provided, single submitter. Criteria: ACMG Guidelines, 2015. Collection method: clinical testing. Allele origin: germline.

PreventionGenetics, part of Exact Sciences
Classification: Likely benign for TBX20-related condition. Last evaluated: 2019-08-26. Review status: no assertion criteria provided. Collection method: clinical testing. Allele origin: germline. Not counted in ClinVar's aggregate classification.
Comment: This variant is classified as likely benign based on ACMG/AMP sequence variant interpretation guidelines (Richards et al. 2015 PMID: 25741868, with internal and published modifications).

NM_001077653.2(TBX20):c.381-21CT[6]

Gene: TBX20 (T-box transcription factor 20; minus strand). Cytogenetic location: 7p14.2.
Variant type: Microsatellite.
Coding change: c.381-21CT[6] on transcript NM_001077653.2 (MANE Select); six copies in a row of the 2-base unit CT starting at c.381-21; the reference has eight copies in a row; two copies, 4 bases deleted.
Molecular consequence: intron variant.
Genome position (GRCh38, 1-based): chr7:35,248,847-35,248,850, AGAG deleted on the plus strand (CTCT on the coding strand, the reverse complement: TBX20 is on the minus strand); deleting any 4 consecutive bases within chr7:35,248,847-35,248,863 gives the same sequence; the position shown is the placement nearest the transcript's 3' end. VCF-style (leftmost placement, unchanged base first): chr7-35248846-CAGAG-C. GRCh37 (hg19) VCF-style: chr7-35288458-CAGAG-C.
Other names: c.381-21CT[6] (NM_001166220.1); c.381-9_381-6delCTCT (NM_001077653.2).
Identifiers: ClinVar variation 2044032 (VCV002044032.7), dbSNP rs147314121, ClinGen allele CA4217515.
Genomic context (GRCh38, chr7:35,248,846, plus strand): 5'-ACTTGGCCTCAGGATCCACCCCCGAAAAGGACACCCGGATGGTTGGAAACATCCTCCTGA[CAGAG>C]AGAGAGAGAGAGAATGGGCCCTGTTTATGCTGCCTAATAAACTGACCTGAATTAGGAAGA-3'